The following is an entry in ClinVar:

NM_001429.4(EP300):c.4735G>A (p.Asp1579Asn)

Gene: EP300 (EP300 lysine acetyltransferase; plus strand). Cytogenetic location: 22q13.2.
Variant type: single nucleotide variant.
Coding change: c.4735G>A on transcript NM_001429.4 (MANE Select); coding-DNA position 4735, G replaced by A.
Protein change: p.Asp1579Asn; replaces aspartic acid 1579 with asparagine.
Molecular consequence: missense variant.
Genome position (GRCh38, 1-based): chr22:41,173,740, G>A. VCF-style: chr22-41173740-G-A. GRCh37 (hg19) VCF-style: chr22-41569744-G-A.
Other names: c.4657G>A, p.Asp1553Asn (NM_001362843.2); short protein forms D1553N, D1579N.
Identifiers: ClinVar variation 4988978 (VCV004988978.1).
Genomic context (GRCh38, chr22:41,173,740, plus strand): 5'-AATAAGAGCAGCCTGAGTAGGGGCAACAAGAAGAAACCCGGGATGCCCAATGTATCTAAC[G>A]ACCTCTCACAGAAACTATATGCCACCATGGAGAAGCATAAAGAGGTAAGATGCAGCCACC-3'
Protein context (NP_001420.2, residues 1569-1589): KKPGMPNVSN[Asp1579Asn]LSQKLYATME

ClinVar aggregate classification (germline): Uncertain significance (1 of 4 stars; one submission).

Conditions:
EP300-related disorder. Also called: EP300-related condition; EP300-related disorders.

gnomAD v4.1: 18 of 1,614,024 alleles (0.0011%); highest among the groups gnomAD compares: South Asian, 0.0033%; no homozygotes.

Submission:

PreventionGenetics, part of Exact Sciences
Classification: Uncertain significance for EP300-related condition. Last evaluated: 2025-11-18. Review status: criteria provided, single submitter. Criteria: ACMG Guidelines, 2015. Collection method: clinical testing. Allele origin: germline.
Comment: The EP300 c.4735G>A variant is predicted to result in the amino acid substitution p.Asp1579Asn. To our knowledge, this variant has not been reported in the literature. This variant is reported in 0.0044% of alleles in individuals of European (Non-Finnish) descent in gnomAD. At this time, the clinical significance of this variant is uncertain due to the absence of conclusive functional and genetic evidence.